The following is an entry in ClinVar:

NM_000540.3(RYR1):c.1810T>C (p.Ser604Pro)

Gene: RYR1 (ryanodine receptor 1; plus strand). Cytogenetic location: 19q13.2.
Variant type: single nucleotide variant.
Coding change: c.1810T>C on transcript NM_000540.3 (MANE Select); coding-DNA position 1810, T replaced by C.
Protein change: p.Ser604Pro; replaces serine 604 with proline.
Molecular consequence: missense variant.
Genome position (GRCh38, 1-based): chr19:38,457,515, T>C. VCF-style: chr19-38457515-T-C. GRCh37 (hg19) VCF-style: chr19-38948155-T-C.
Other names: c.1810T>C, p.Ser604Pro (NM_001042723.2); short protein forms S604P.
Identifiers: ClinVar variation 594411 (VCV000594411.9), dbSNP rs901536375, ClinGen allele CA308125164.

ClinVar aggregate classification (germline): Uncertain significance. Review status: criteria provided, multiple submitters, no conflicts (2 of 4 stars). 5 submissions from 5 submitters: Uncertain significance (5). Last evaluated 2024-09-08.

Conditions:
RYR1-related disorder. Also called: RYR1-related disorders; RYR1-related condition. Identifiers: MedGen CN239331.
Malignant hyperthermia, susceptibility to, 1 (MHS1). Also called: Anesthesia related hyperthermia; Malignant hyperpyrexia; Fulminating hyperpyrexia; Pharmacogenic myopathy; RYR1-Related Malignant Hyperthermia Susceptibility; Malignant hyperthermia suceptibility 1. Identifiers: Orphanet 423, MedGen C2930980, MONDO:0007783, OMIM 145600.

Allele frequency attached by ClinVar (database versions not stated): TOPMed below 0.00001.

Submissions (5):

Molecular Genetics, Royal Melbourne Hospital
Classification: Uncertain significance for Malignant hyperthermia, susceptibility to, 1. Last evaluated: 2024-09-08. Review status: criteria provided, single submitter. Criteria: ACMG Guidelines, 2015. Collection method: clinical testing. Allele origin: germline. Inheritance: Autosomal dominant inheritance.
Comment: This sequence change in RYR1 is predicted to replace serine with proline at codon 604, p.(Ser604Pro). The serine residue is highly conserved (100 vertebrates, Multiz Alignments), and is located in exon 17 in the SPRY 1 domain. There is a moderate physicochemical difference between serine and proline. This variant is absent from the population database gnomAD v4.1. This variant has been reported in at least one individual with malignant hyperthermia susceptibility (Kanzaki et al 2022, DOI 10.24811/hjms.71.1-2_31). Computational evidence predicts a deleterious effect for the missense substitution (REVEL = 0.95) and predicts no impact on splicing (SpliceAI) for the nucleotide change. Based on the classification scheme RMH Modified ACMG/AMP Guidelines v1.7.0, this variant is classified as a VARIANT OF UNCERTAIN SIGNIFICANCE. Following criteria are met: PP3_Moderate, PS4_Supporting.

All of Us Research Program, National Institutes of Health
Classification: Uncertain significance for Malignant hyperthermia, susceptibility to, 1. Last evaluated: 2023-06-26. Review status: criteria provided, single submitter. Criteria: ACMG Guidelines, 2015. Collection method: clinical testing. Allele origin: germline. Inheritance: Autosomal dominant inheritance. Observed: 1 variant allele, 1 heterozygote.
Comment: This missense variant replaces serine with proline at codon 604 of the RYR1 protein. Computational prediction suggests that this variant may have deleterious impact on protein structure and function (internally defined REVEL score threshold >= 0.7, PMID: 27666373). To our knowledge, functional studies have not been reported for this variant. This variant has not been reported in individuals affected with RYR1-related disorders in the literature. This variant has not been identified in the general population by the Genome Aggregation Database (gnomAD). The available evidence is insufficient to determine the role of this variant in disease conclusively. Therefore, this variant is classified as a Variant of Uncertain Significance.

This study involves interpretation of variants in research participants for the purpose of population health screening. Participant phenotype was not available at the time of variant classification. Additional details can be found in publication PMID: 35346344, PMCID: PMC8962531

Labcorp Genetics (formerly Invitae), Labcorp
Classification: Uncertain significance for RYR1-related disorder. Last evaluated: 2021-06-02. Review status: criteria provided, single submitter. Criteria: Invitae Variant Classification Sherloc (09022015). Collection method: clinical testing. Allele origin: germline.
Comment: This sequence change replaces serine with proline at codon 604 of the RYR1 protein (p.Ser604Pro). The serine residue is highly conserved and there is a moderate physicochemical difference between serine and proline. This variant is not present in population databases (ExAC no frequency). This variant has not been reported in the literature in individuals with RYR1-related conditions. ClinVar contains an entry for this variant (Variation ID: 594411). Advanced modeling of protein sequence and biophysical properties (such as structural, functional, and spatial information, amino acid conservation, physicochemical variation, residue mobility, and thermodynamic stability) performed at Invitae indicates that this missense variant is expected to disrupt RYR1 protein function. In summary, the available evidence is currently insufficient to determine the role of this variant in disease. Therefore, it has been classified as a Variant of Uncertain Significance.

Eurofins Ntd Llc (ga)
Classification: Uncertain significance. Last evaluated: 2017-10-06. Review status: criteria provided, single submitter. Criteria: EGL Classification Definitions 2015. Collection method: clinical testing. Allele origin: germline. Observed: 1 variant allele, 1 heterozygote.

Breakthrough Genomics
Classification: Uncertain significance. Review status: criteria provided, single submitter. Criteria: ACMG Guidelines, 2015. Collection method: not provided. Allele origin: germline. Inheritance: Autosomal dominant inheritance. Affected: yes.